The following is an entry in ClinVar:

NM_000350.3(ABCA4):c.5068A>G (p.Met1690Val)

Gene: ABCA4 (ATP binding cassette subfamily A member 4; minus strand). Cytogenetic location: 1p22.1.
Variant type: single nucleotide variant.
Coding change: c.5068A>G on transcript NM_000350.3 (MANE Select); coding-DNA position 5068, A replaced by G.
Protein change: p.Met1690Val; replaces methionine 1690 with valine.
Molecular consequence: missense variant.
Genome position (GRCh38, 1-based): chr1:94,019,710, T>C on the plus strand (A>G on the coding strand, the complement: ABCA4 is on the minus strand). VCF-style: chr1-94019710-T-C. GRCh37 (hg19) VCF-style: chr1-94485266-T-C.
Other names: c.4846A>G, p.Met1616Val (NM_001425324.1); short protein forms M1616V, M1690V.
Identifiers: ClinVar variation 2988546 (VCV002988546.3), dbSNP rs2523686625, ClinGen allele CA341282784.
Genomic context (GRCh38, chr1:94,019,710, plus strand): 5'-TGGATTTGTTCACCCGCTCCTGGATCAAATAAAGGACAAAGCTGGCTGGGACGAAGGACA[T>C]GGAGAAAATCACGCAGATGGCAACCACAGCATCCACTGAAGTGGTCAGCCTGCAGCAGGG-3'
Protein context (NP_000341.2, residues 1680-1700): AVVAICVIFS[Met1690Val]SFVPASFVLY

ClinVar aggregate classification (germline): Likely pathogenic (1 of 4 stars; one submission).

Submission:

Labcorp Genetics (formerly Invitae), Labcorp
Classification: Likely pathogenic. Last evaluated: 2023-09-22. Review status: criteria provided, single submitter. Criteria: Invitae Variant Classification Sherloc (09022015). Collection method: clinical testing. Allele origin: germline.
Comment: This variant disrupts the p.Met1690 amino acid residue in ABCA4. Other variant(s) that disrupt this residue have been determined to be pathogenic (Invitae). This suggests that this residue is clinically significant, and that variants that disrupt this residue are likely to be disease-causing. Advanced modeling of protein sequence and biophysical properties (such as structural, functional, and spatial information, amino acid conservation, physicochemical variation, residue mobility, and thermodynamic stability) performed at Invitae indicates that this missense variant is expected to disrupt ABCA4 protein function. This variant has not been reported in the literature in individuals affected with ABCA4-related conditions. This variant is not present in population databases (gnomAD no frequency). This sequence change replaces methionine, which is neutral and non-polar, with valine, which is neutral and non-polar, at codon 1690 of the ABCA4 protein (p.Met1690Val). In summary, the currently available evidence indicates that the variant is pathogenic, but additional data are needed to prove that conclusively. Therefore, this variant has been classified as Likely Pathogenic.